The following is an entry in ClinVar:

NM_017777.4(MKS1):c.1090dup (p.Ala364fs)

Gene: MKS1 (MKS transition zone complex subunit 1; minus strand). Cytogenetic location: 17q22.
Variant type: Duplication.
Coding change: c.1090dup on transcript NM_017777.4 (MANE Select); coding-DNA position 1090, one base duplicated (G; older notation c.1090dupG).
Protein change: p.Ala364fs; shifts the reading frame from alanine 364.
Molecular consequence: frameshift variant.
Genome position (GRCh38, 1-based): chr17:58,208,518, C duplicated on the plus strand (G on the coding strand, the reverse complement: MKS1 is on the minus strand); the first of 2 consecutive C bases (chr17:58,208,518-58,208,519); duplicating either gives the same sequence. VCF-style (leftmost placement, unchanged base first): chr17-58208517-G-GC. GRCh37 (hg19) VCF-style: chr17-56285878-G-GC.
Other names: c.481dup, p.Ala161fs (NM_001321268.2); c.1090dup, p.Ala364fs (NM_001321269.2, NM_001330397.2, NM_001411113.1); short protein forms A161fs, A364fs.
Identifiers: ClinVar variation 2931204 (VCV002931204.4), dbSNP rs2509416195, ClinGen allele CA2740093800.

ClinVar aggregate classification (germline): Pathogenic. Review status: criteria provided, multiple submitters, no conflicts (2 of 4 stars). 2 submissions from 2 submitters: Pathogenic (2). Last evaluated 2023-12-02.

Conditions:
Meckel-Gruber syndrome. Also called: DYSENCEPHALIA SPLANCHNOCYSTICA; GRUBER SYNDROME; Dysencephalia splachnocystica. Identifiers: Orphanet 564, MedGen C0265215, MONDO:0018921.
Joubert syndrome. Also called: JOUBERT-BOLTSHAUSER SYNDROME; Familial aplasia of the vermis. Identifiers: Orphanet 475, MedGen C5979921, MONDO:0018772.
Ciliopathy. Also called: Ciliopathies. Identifiers: Orphanet 363250, MedGen C4277690, MONDO:0005308, MeSH D000072661.

Submissions (2):

Myriad Genetics, Inc.
Classification: Pathogenic for Ciliopathy. Last evaluated: 2023-12-02. Review status: criteria provided, single submitter. Criteria: Myriad Autosomal Dominant, Autosomal Recessive and X-Linked Classification Criteria (2023). Collection method: clinical testing. Allele origin: unknown.
Comment: NM_017777.3(MKS1):c.1090dupG(A364Gfs*15) is expected to be pathogenic in the context of MKS1-related disorders. This variant is predicted to lead to an abnormal or absent protein product due to the creation of a premature termination codon in MKS1, a gene where loss-of-function variants are known to be pathogenic. Please note: this variant was assessed in the context of healthy population screening.

Labcorp Genetics (formerly Invitae), Labcorp
Classification: Pathogenic for Joubert syndrome; Meckel-Gruber syndrome. Last evaluated: 2023-10-14. Review status: criteria provided, single submitter. Criteria: Invitae Variant Classification Sherloc (09022015). Collection method: clinical testing. Allele origin: germline.
Comment: This sequence change creates a premature translational stop signal (p.Ala364Glyfs*15) in the MKS1 gene. It is expected to result in an absent or disrupted protein product. Loss-of-function variants in MKS1 are known to be pathogenic (PMID: 19466712, 24886560, 26490104). This variant is not present in population databases (gnomAD no frequency). This variant has not been reported in the literature in individuals affected with MKS1-related conditions. For these reasons, this variant has been classified as Pathogenic.

Literature cited by the submitters: PubMed 19466712 (cited by Labcorp Genetics (formerly Invitae), Labcorp); PubMed 24886560 (cited by Labcorp Genetics (formerly Invitae), Labcorp); PubMed 26490104 (cited by Labcorp Genetics (formerly Invitae), Labcorp).